The following is an entry in ClinVar:

ClinVar aggregate classification (germline): Uncertain significance (1 of 4 stars; one submission).

Conditions:
Supravalvar aortic stenosis (SVAS). Also called: Supravalvar aortic stenosis, Eisenberg type. Identifiers: Orphanet 3193, MedGen C0003499, MONDO:0008504, OMIM 185500, HP:0004381.

Allele frequency attached by ClinVar (database versions not stated): gnomAD exomes below 0.00001.
gnomAD v4.1: 2 of 1,536,930 alleles (0.00013%); highest among the groups gnomAD compares: Non-Finnish European, 0.00017%; no homozygotes.

Submission:

Labcorp Genetics (formerly Invitae), Labcorp
Classification: Uncertain significance for Supravalvar aortic stenosis. Last evaluated: 2023-02-14. Review status: criteria provided, single submitter. Criteria: Invitae Variant Classification Sherloc (09022015). Collection method: clinical testing. Allele origin: germline.
Comment: This sequence change replaces valine, which is neutral and non-polar, with methionine, which is neutral and non-polar, at codon 474 of the ELN protein (p.Val474Met). This variant is not present in population databases (gnomAD no frequency). This variant has not been reported in the literature in individuals affected with ELN-related conditions. Advanced modeling of protein sequence and biophysical properties (such as structural, functional, and spatial information, amino acid conservation, physicochemical variation, residue mobility, and thermodynamic stability) performed at Invitae indicates that this missense variant is not expected to disrupt ELN protein function. In summary, the available evidence is currently insufficient to determine the role of this variant in disease. Therefore, it has been classified as a Variant of Uncertain Significance.

NM_000501.4(ELN):c.1358-196G>A

Gene: ELN (elastin; plus strand). Cytogenetic location: 7q11.23.
Variant type: single nucleotide variant.
Coding change: c.1358-196G>A on transcript NM_000501.4 (MANE Select); 196 bases into the intron before coding-DNA position 1358, G replaced by A.
Molecular consequence: intron variant. On other transcripts: missense variant (1).
Genome position (GRCh38, 1-based): chr7:74,057,444, G>A. VCF-style: chr7-74057444-G-A. GRCh37 (hg19) VCF-style: chr7-73471774-G-A.
Other names: c.1420G>A, p.Val474Met (NM_001278939.2); c.1373-196G>A (NM_001081754.3); c.1372+731G>A (NM_001081753.3); c.1358-196G>A (NM_001278915.2, NM_001278912.2); c.1357+731G>A (NM_001081755.3); c.1315+731G>A (NM_001278916.2); c.1171+731G>A (NM_001278913.2); c.1342+731G>A (NM_001278914.2); and 3 more; short protein forms V474M.
Identifiers: ClinVar variation 1993035 (VCV001993035.4), dbSNP rs2486102641, ClinGen allele CA367882556.
Genomic context (GRCh38, chr7:74,057,444, plus strand): 5'-GCTGCAGGAGCAGGAGTGCTGGGTGGGCTAGTGCCAGGTGCCCCAGGCGCAGTCCCAGGT[G>A]TGCCGGGCACGGGAGGAGTGCCAGGTGAGCTGTGTCTCCAGCCCAGAGATGGGTTTGGTT-3'